The following is an entry in ClinVar:

ClinVar aggregate classification (germline): Likely benign (1 of 4 stars; one submission).

Submission:

GeneDx
Classification: Likely benign. Last evaluated: 2017-05-26. Review status: criteria provided, single submitter. Criteria: GeneDx Variant Classification (06012015). Collection method: clinical testing. Allele origin: germline. Affected: yes.
Comment: This variant is considered likely benign or benign based on one or more of the following criteria: it is a conservative change, it occurs at a poorly conserved position in the protein, it is predicted to be benign by multiple in silico algorithms, and/or has population frequency not consistent with disease.

NM_006440.5(TXNRD2):c.173-15T>C

Gene: TXNRD2 (thioredoxin reductase 2; minus strand). Cytogenetic location: 22q11.21.
Variant type: single nucleotide variant.
Coding change: c.173-15T>C on transcript NM_006440.5 (MANE Select); 15 bases into the intron before coding-DNA position 173, T replaced by C.
Molecular consequence: intron variant.
Genome position (GRCh38, 1-based): chr22:19,919,614, A>G on the plus strand (T>C on the coding strand, the complement: TXNRD2 is on the minus strand). VCF-style: chr22-19919614-A-G. GRCh37 (hg19) VCF-style: chr22-19907137-A-G.
Other names: c.170-15T>C (NM_001352300.2); c.-116-15T>C (NM_001352302.2); c.83-15T>C (NM_001352301.2); c.173-15T>C (NM_001282512.3); c.77-15T>C (NM_001352303.2).
Identifiers: ClinVar variation 509910 (VCV000509910.1), dbSNP rs1555913241, ClinGen allele CA658799487.